The following is an entry in ClinVar:

ClinVar aggregate classification (germline): Uncertain significance (1 of 4 stars; one submission).

Conditions:
Epileptic encephalopathy. Identifiers: MedGen C0543888, HP:0200134.

Allele frequency attached by ClinVar (database versions not stated): gnomAD exomes 0.00001.

Submission:

Labcorp Genetics (formerly Invitae), Labcorp
Classification: Uncertain significance for Epileptic encephalopathy. Last evaluated: 2020-09-25. Review status: criteria provided, single submitter. Criteria: Invitae Variant Classification Sherloc (09022015). Collection method: clinical testing. Allele origin: germline.
Comment: In summary, the available evidence is currently insufficient to determine the role of this variant in disease. Therefore, it has been classified as a Variant of Uncertain Significance. Algorithms developed to predict the effect of missense changes on protein structure and function are either unavailable or do not agree on the potential impact of this missense change (SIFT: "Deleterious"; PolyPhen-2: "Possibly Damaging"; Align-GVGD: "Class C0"). This variant has not been reported in the literature in individuals with FASN-related conditions. This variant is not present in population databases (ExAC no frequency). This sequence change replaces lysine with asparagine at codon 1847 of the FASN protein (p.Lys1847Asn). The lysine residue is highly conserved and there is a moderate physicochemical difference between lysine and asparagine.

NM_004104.5(FASN):c.5541G>T (p.Lys1847Asn)

Gene: FASN (fatty acid synthase; minus strand). Cytogenetic location: 17q25.3.
Variant type: single nucleotide variant.
Coding change: c.5541G>T on transcript NM_004104.5 (MANE Select); coding-DNA position 5541, G replaced by T.
Protein change: p.Lys1847Asn; replaces lysine 1847 with asparagine.
Molecular consequence: missense variant.
Genome position (GRCh38, 1-based): chr17:82,083,226, C>A on the plus strand (G>T on the coding strand, the complement: FASN is on the minus strand). VCF-style: chr17-82083226-C-A. GRCh37 (hg19) VCF-style: chr17-80041102-C-A.
Other names: short protein forms K1847N.
Identifiers: ClinVar variation 1000736 (VCV001000736.9), dbSNP rs1407246110, ClinGen allele CA401537556.